The following is an entry in ClinVar:

ClinVar aggregate classification (germline): Uncertain significance (1 of 4 stars; one submission).

Submission:

GeneDx
Classification: Uncertain significance. Last evaluated: 2024-02-26. Review status: criteria provided, single submitter. Criteria: GeneDx Variant Classification Process June 2021. Collection method: clinical testing. Allele origin: germline. Affected: yes.
Comment: Not observed at significant frequency in large population cohorts (gnomAD); In silico analysis supports that this missense variant does not alter protein structure/function; Has not been previously published as pathogenic or benign to our knowledge

NM_004100.5(EYA4):c.799C>A (p.Gln267Lys)

Gene: EYA4 (EYA transcriptional coactivator and phosphatase 4; plus strand). Cytogenetic location: 6q23.2.
Variant type: single nucleotide variant.
Coding change: c.799C>A on transcript NM_004100.5 (MANE Select); coding-DNA position 799, C replaced by A.
Protein change: p.Gln267Lys; replaces glutamine 267 with lysine.
Molecular consequence: missense variant.
Genome position (GRCh38, 1-based): chr6:133,464,853, C>A. VCF-style: chr6-133464853-C-A. GRCh37 (hg19) VCF-style: chr6-133785991-C-A.
Other names: c.637C>A, p.Gln213Lys (NM_001301012.2, NM_001370459.1); c.799C>A, p.Gln267Lys (NM_001301013.2, NM_172105.4); c.730C>A, p.Gln244Lys (NM_001370458.1, NM_172103.4); short protein forms Q213K, Q244K, Q267K.
Identifiers: ClinVar variation 3369585 (VCV003369585.1).
Genomic context (GRCh38, chr6:133,464,853, plus strand): 5'-CCATCATCTACTATTTATGCAAATAATTCAGTTTCCAATTCAACGAATTTCAGTGGTTCA[C>A]AACAGGTATAGTAGCTTTTTGTGTTTATGCTTTTTATATGTATTTCAGATTTTTGAAGAG-3'
Protein context (NP_004091.3, residues 257-277): VSNSTNFSGS[Gln267Lys]QDYPSYTAFG